The following is an entry in ClinVar:

ClinVar aggregate classification (germline): Uncertain significance. Review status: criteria provided, multiple submitters, no conflicts (2 of 4 stars). 3 submissions from 3 submitters: Uncertain significance (3). Last evaluated 2025-01-05.

Conditions:
Multiple endocrine neoplasia, type 2 (MEN2). Identifiers: Orphanet 653, MedGen C4048306, MONDO:0019003. Disease mechanism: gain of function.
Hereditary cancer-predisposing syndrome. Also called: Hereditary neoplastic syndrome; Neoplastic Syndromes, Hereditary; Tumor predisposition; Hereditary Cancer Syndrome. Identifiers: Orphanet 140162, MedGen C0027672, MeSH D009386, MONDO:0015356.

Allele frequency attached by ClinVar (database versions not stated): gnomAD exomes below 0.00001.
gnomAD v4.1: 3 of 1,597,098 alleles (0.00019%); highest among the groups gnomAD compares: Admixed American, 0.0017%; no homozygotes.

Submissions (3):

Ambry Genetics
Classification: Uncertain significance for Hereditary cancer-predisposing syndrome. Last evaluated: 2025-01-05. Review status: criteria provided, single submitter. Criteria: Ambry Variant Classification Scheme 2023. Collection method: clinical testing. Allele origin: germline.
Comment: The p.P799L variant (also known as c.2396C>T), located in coding exon 14 of the RET gene, results from a C to T substitution at nucleotide position 2396. The proline at codon 799 is replaced by leucine, an amino acid with similar properties. This amino acid position is highly conserved in available vertebrate species. In addition, this alteration is predicted to be deleterious by in silico analysis. Since supporting evidence is limited at this time, the clinical significance of this alteration remains unclear.

Labcorp Genetics (formerly Invitae), Labcorp
Classification: Uncertain significance for Multiple endocrine neoplasia, type 2. Last evaluated: 2024-09-24. Review status: criteria provided, single submitter. Criteria: Invitae Variant Classification Sherloc (09022015). Collection method: clinical testing. Allele origin: germline.
Comment: This sequence change replaces proline, which is neutral and non-polar, with leucine, which is neutral and non-polar, at codon 799 of the RET protein (p.Pro799Leu). This variant is not present in population databases (gnomAD no frequency). This variant has not been reported in the literature in individuals affected with RET-related conditions. ClinVar contains an entry for this variant (Variation ID: 1790624). An algorithm developed to predict the effect of missense changes on protein structure and function (PolyPhen-2) suggests that this variant is likely to be disruptive. In summary, the available evidence is currently insufficient to determine the role of this variant in disease. Therefore, it has been classified as a Variant of Uncertain Significance.

Blueprint Genetics
Classification: Uncertain significance. Last evaluated: 2020-08-28. Review status: criteria provided, single submitter. Criteria: ACMG Guidelines, 2015. Collection method: clinical testing. Allele origin: germline.

NM_020975.6(RET):c.2396C>T (p.Pro799Leu)

Gene: RET (ret proto-oncogene; plus strand). Cytogenetic location: 10q11.21.
Variant type: single nucleotide variant.
Coding change: c.2396C>T on transcript NM_020975.6 (MANE Select); coding-DNA position 2396, C replaced by T.
Protein change: p.Pro799Leu; replaces proline 799 with leucine.
Molecular consequence: missense variant.
Genome position (GRCh38, 1-based): chr10:43,119,534, C>T. VCF-style: chr10-43119534-C-T. GRCh37 (hg19) VCF-style: chr10-43614982-C-T.
Other names: c.2396C>T, p.Pro799Leu (NM_000323.2, NM_001406743.1, NM_001406744.1 and 4 more transcripts); c.1634C>T, p.Pro545Leu (NM_001355216.2); c.2267C>T, p.Pro756Leu (NM_001406761.1, NM_001406762.1, NM_001406764.1); c.2261C>T, p.Pro754Leu (NM_001406763.1, NM_001406765.1); c.2108C>T, p.Pro703Leu (NM_001406766.1, NM_001406767.1, NM_001406770.1); c.2132C>T, p.Pro711Leu (NM_001406768.1); c.2000C>T, p.Pro667Leu (NM_001406769.1, NM_001406772.1); c.1958C>T, p.Pro653Leu (NM_001406771.1, NM_001406773.1); and 10 more; short protein forms P316L, P460L, P545L, P667L, P703L, P711L, P799L, P455L.
Identifiers: ClinVar variation 1790624 (VCV001790624.9), dbSNP rs2132942152, ClinGen allele CA376555996.